The following is an entry in ClinVar:

NM_138713.4(NFAT5):c.1804A>G (p.Lys602Glu)

Gene: NFAT5 (nuclear factor of activated T cells 5; plus strand). Cytogenetic location: 16q22.1.
Variant type: single nucleotide variant.
Coding change: c.1804A>G on transcript NM_138713.4 (MANE Select); coding-DNA position 1804, A replaced by G.
Protein change: p.Lys602Glu; replaces lysine 602 with glutamic acid.
Molecular consequence: missense variant.
Genome position (GRCh38, 1-based): chr16:69,690,969, A>G. VCF-style: chr16-69690969-A-G. GRCh37 (hg19) VCF-style: chr16-69724872-A-G.
Other names: c.1801A>G, p.Lys601Glu (NM_001113178.3); c.1129A>G, p.Lys377Glu (NM_001367709.1); c.1750A>G, p.Lys584Glu (NM_006599.4); c.1522A>G, p.Lys508Glu (NM_138714.4, NM_173214.3, NM_173215.3); short protein forms K377E, K584E, K601E, K508E, K602E.
Identifiers: ClinVar variation 3668461 (VCV003668461.2).

ClinVar aggregate classification (germline): Uncertain significance (1 of 4 stars; one submission).

Conditions:
Immunodeficiency. Identifiers: MedGen C0021051, MONDO:0021094, HP:0002721.

gnomAD v4.1: 3 of 1,590,596 alleles (0.00019%); highest among the groups gnomAD compares: Middle Eastern, 0.017%; no homozygotes.

Submission:

Labcorp Genetics (formerly Invitae), Labcorp
Classification: Uncertain significance for Immunodeficiency. Last evaluated: 2024-04-17. Review status: criteria provided, single submitter. Criteria: Invitae Variant Classification Sherloc (09022015). Collection method: clinical testing. Allele origin: germline.
Comment: This sequence change replaces lysine, which is basic and polar, with glutamic acid, which is acidic and polar, at codon 508 of the NFAT5 protein (p.Lys508Glu). This variant is not present in population databases (gnomAD no frequency). This variant has not been reported in the literature in individuals affected with NFAT5-related conditions. An algorithm developed to predict the effect of missense changes on protein structure and function (PolyPhen-2) suggests that this variant is likely to be tolerated. In summary, the available evidence is currently insufficient to determine the role of this variant in disease. Therefore, it has been classified as a Variant of Uncertain Significance.